The following is an entry in ClinVar:

NM_000368.5(TSC1):c.*5T>A

Gene: TSC1 (TSC complex subunit 1; minus strand). Cytogenetic location: 9q34.13.
Variant type: single nucleotide variant.
Coding change: c.*5T>A on transcript NM_000368.5 (MANE Select); 5 bases downstream of the stop codon, T replaced by A.
Molecular consequence: 3 prime UTR variant. On other transcripts: non-coding transcript variant (5).
Genome position (GRCh38, 1-based): chr9:132,896,230, A>T on the plus strand (T>A on the coding strand, the complement: TSC1 is on the minus strand). VCF-style: chr9-132896230-A-T. GRCh37 (hg19) VCF-style: chr9-135771617-A-T.
Other names: c.*5T>A (NM_001162426.2, NM_001162427.2, NM_001362177.2 and 39 more transcripts).
Identifiers: ClinVar variation 4071143 (VCV004071143.1).

ClinVar aggregate classification (germline): Benign (1 of 4 stars; one submission).

Conditions:
Tuberous sclerosis 1 (TSC1). Identifiers: Orphanet 805, MedGen C1854465, MONDO:0008612, OMIM 191100.

Submission:

Myriad Genetics, Inc.
Classification: Benign for Tuberous sclerosis 1. Last evaluated: 2025-04-30. Review status: criteria provided, single submitter. Criteria: Myriad Autosomal Dominant, Autosomal Recessive and X-Linked Classification Criteria (2023). Collection method: clinical testing. Allele origin: unknown.
Comment: This variant is considered benign. This variant occurs in the non-coding 3' untranslated region of the gene, and is not expected to impact protein function.